The following is an entry in ClinVar:

NM_032043.3(BRIP1):c.1404dup (p.Ser469fs)

Gene: BRIP1 (BRCA1 interacting DNA helicase 1; minus strand). Cytogenetic location: 17q23.2.
Variant type: Duplication.
Coding change: c.1404dup on transcript NM_032043.3 (MANE Select); coding-DNA position 1404, one base duplicated (G; older notation c.1404dupG).
Protein change: p.Ser469fs; shifts the reading frame from serine 469.
Molecular consequence: frameshift variant.
Genome position (GRCh38, 1-based): chr17:61,793,666, C duplicated on the plus strand (G on the coding strand, the reverse complement: BRIP1 is on the minus strand); the first of 2 consecutive C bases (chr17:61,793,666-61,793,667); duplicating either gives the same sequence. VCF-style (leftmost placement, unchanged base first): chr17-61793665-T-TC. GRCh37 (hg19) VCF-style: chr17-59871026-T-TC.
Other names: short protein forms S469fs.
Identifiers: ClinVar variation 2583336 (VCV002583336.2), dbSNP rs2545107177, ClinGen allele CA2582342219.

ClinVar aggregate classification (germline): Pathogenic (1 of 4 stars; one submission).

Conditions:
Familial cancer of breast. Also called: Hereditary breast cancer; BREAST CANCER, FAMILIAL; hereditary breast carcinoma. Identifiers: Orphanet 227535, MedGen C0346153, MONDO:0016419, OMIM 114480. Disease mechanism: loss of function.

Submission:

Myriad Genetics, Inc.
Classification: Pathogenic for Familial cancer of breast. Last evaluated: 2023-06-02. Review status: criteria provided, single submitter. Criteria: Myriad Autosomal Dominant, Autosomal Recessive and X-Linked Classification Criteria (2023). Collection method: clinical testing. Allele origin: unknown.
Comment: This variant is considered pathogenic. This variant creates a frameshift predicted to result in premature protein truncation.